The following is an entry in ClinVar:

NM_006846.4(SPINK5):c.1724G>A (p.Arg575Lys)

Gene: SPINK5 (serine peptidase inhibitor Kazal type 5; plus strand). Cytogenetic location: 5q32.
Variant type: single nucleotide variant.
Coding change: c.1724G>A on transcript NM_006846.4 (MANE Select); coding-DNA position 1724, G replaced by A.
Protein change: p.Arg575Lys; replaces arginine 575 with lysine.
Molecular consequence: missense variant.
Genome position (GRCh38, 1-based): chr5:148,111,799, G>A. VCF-style: chr5-148111799-G-A. GRCh37 (hg19) VCF-style: chr5-147491362-G-A.
Other names: c.1724G>A, p.Arg575Lys (NM_001127698.2, NM_001127699.2); short protein forms R575K.
Identifiers: ClinVar variation 2140869 (VCV002140869.1), dbSNP rs962434882, ClinGen allele CA128930028.
Genomic context (GRCh38, chr5:148,111,799, plus strand): 5'-TTAAAACCTGCTTCTGCTTCATTTGGCAGGAGCTGTGCAGTGAATATCGTCATTATGTGA[G>A]GAATGGACGACTCCCCTGTACCAGAGAGAATGATCCTATTGAGGGTCTAGATGGGAAAAT-3'
Protein context (NP_006837.2, residues 565-585): ELCSEYRHYV[Arg575Lys]NGRLPCTREN

ClinVar aggregate classification (germline): Uncertain significance (1 of 4 stars; one submission).

Conditions:
Netherton syndrome (NETH). Also called: NETHERTON DISEASE; ERYTHRODERMA, ICHTHYOSIFORM, WITH HYPOTRICHOSIS AND HYPER-IgE; COMEL-NETHERTON SYNDROME. Identifiers: Orphanet 634, MedGen C5574950, MONDO:0009735, OMIM 256500.

Allele frequency attached by ClinVar (database versions not stated): gnomAD exomes below 0.00001; gnomAD 0.00001.
gnomAD v4.1: 9 of 1,613,910 alleles (0.00056%); highest among the groups gnomAD compares: Admixed American, 0.0033%; no homozygotes.

Submission:

Labcorp Genetics (formerly Invitae), Labcorp
Classification: Uncertain significance for Ichthyosis linearis circumflexa. Last evaluated: 2022-10-13. Review status: criteria provided, single submitter. Criteria: Invitae Variant Classification Sherloc (09022015). Collection method: clinical testing. Allele origin: germline.
Comment: This sequence change replaces arginine, which is basic and polar, with lysine, which is basic and polar, at codon 575 of the SPINK5 protein (p.Arg575Lys). This variant is present in population databases (no rsID available, gnomAD 0.003%). This variant has not been reported in the literature in individuals affected with SPINK5-related conditions. Advanced modeling of protein sequence and biophysical properties (such as structural, functional, and spatial information, amino acid conservation, physicochemical variation, residue mobility, and thermodynamic stability) performed at Invitae indicates that this missense variant is not expected to disrupt SPINK5 protein function. In summary, the available evidence is currently insufficient to determine the role of this variant in disease. Therefore, it has been classified as a Variant of Uncertain Significance.